The following is an entry in ClinVar:

NM_002074.5(GNB1):c.476C>T (p.Thr159Ile)

Gene: GNB1 (G protein subunit beta 1; minus strand). Cytogenetic location: 1p36.33.
Variant type: single nucleotide variant.
Coding change: c.476C>T on transcript NM_002074.5 (MANE Select); coding-DNA position 476, C replaced by T.
Protein change: p.Thr159Ile; replaces threonine 159 with isoleucine.
Molecular consequence: missense variant.
Genome position (GRCh38, 1-based): chr1:1,793,266, G>A on the plus strand (C>T on the coding strand, the complement: GNB1 is on the minus strand). VCF-style: chr1-1793266-G-A. GRCh37 (hg19) VCF-style: chr1-1724705-G-A.
Other names: c.176C>T, p.Thr59Ile (NM_001282538.2); c.476C>T, p.Thr159Ile (NM_001282539.2); short protein forms T159I, T59I.
Identifiers: ClinVar variation 3681903 (VCV003681903.2).

ClinVar aggregate classification (germline): Uncertain significance (1 of 4 stars; one submission).

Submission:

Labcorp Genetics (formerly Invitae), Labcorp
Classification: Uncertain significance. Last evaluated: 2025-01-12. Review status: criteria provided, single submitter. Criteria: Invitae Variant Classification Sherloc (09022015). Collection method: clinical testing. Allele origin: germline.
Comment: This sequence change replaces threonine, which is neutral and polar, with isoleucine, which is neutral and non-polar, at codon 159 of the GNB1 protein (p.Thr159Ile). This variant is not present in population databases (gnomAD no frequency). This variant has not been reported in the literature in individuals affected with GNB1-related conditions. Invitae Evidence Modeling of protein sequence and biophysical properties (such as structural, functional, and spatial information, amino acid conservation, physicochemical variation, residue mobility, and thermodynamic stability) indicates that this missense variant is expected to disrupt GNB1 protein function with a positive predictive value of 80%. In summary, the available evidence is currently insufficient to determine the role of this variant in disease. Therefore, it has been classified as a Variant of Uncertain Significance.